The following continues an entry in ClinVar:

NM_000548.5(TSC2):c.3598C>T (p.Arg1200Trp)

Gene: TSC2. ClinVar aggregate classification (germline): Pathogenic. Pathogenic (26).

Submissions 22 to 28 of 28:

Athena Diagnostics
Classification: Pathogenic. Last evaluated: 2014-05-20. Review status: criteria provided, single submitter. Criteria: Athena Diagnostics Criteria. Collection method: clinical testing. Allele origin: unknown.
Comment: The frequency of this variant in the general population is consistent with pathogenicity. Found in multiple individuals with expected phenotype for this gene, including de novo cases. Assessment of experimental evidence suggests this variant results in abnormal protein function. This variant occurs as the most likely explanation for disease in a significant number of internal cases, suggesting this variant is associated with disease.

Quest Diagnostics Nichols Institute San Juan Capistrano
Classification: Pathogenic. Last evaluated: 2014-05-20. Review status: criteria provided, single submitter. Criteria: Quest Diagnostics criteria. Collection method: clinical testing. Allele origin: unknown.
Comment: The frequency of this variant in the general population, 0.000032 (1/31378 chromosomes), is consistent with pathogenicity. In the published literature, the variant has been reported in affected individuals with tuberous sclerosis, including de novo inheritance, and segregation with disease (PMIDs: 8824881 (1996), 9463313 (1998), 17304050 (2007), 18792920 (2008), 22867869 (2013), 25039834 (2014), 28149746 (2017), 32005694 (2020), and 32211034 (2020)). Functional studies found that this variant causes a deleterious effect to TSC2 protein function (PMIDs: 21309039 (2011) and 21332470 (2012)). Analysis of this variant using bioinformatics tools for the prediction of the effect of amino acid changes on protein structure and function yielded predictions that this variant is damaging. Based on the available information, this variant is classified as pathogenic.

Clinical Genetics Service, Universitary Hospital 12 de Octubre
Classification: Pathogenic for Tuberous sclerosis 2. Review status: criteria provided, single submitter. Criteria: ACMG Guidelines, 2015. Collection method: clinical testing. Allele origin: germline. Affected: yes.

Juno Genomics, Hangzhou Juno Genomics, Inc
Classification: Pathogenic for Isolated focal cortical dysplasia type II; Lymphangiomyomatosis; Tuberous sclerosis 2. Review status: criteria provided, single submitter. Criteria: ACMG Guidelines, 2015. Collection method: clinical testing. Allele origin: germline.
Comment: Absent from controls (or at extremely low frequency if recessive) in Genome Aggregation Database.;Multiple lines of computational evidence support a deleterious effect on the gene or gene product.;Well-established in vitro or in vivo functional studies supportive of a damaging effect on the gene or gene product.;The prevalence of the variant in affected individuals is significantly increased compared to the prevalence in controls.;Co-segregation with disease in multiple affected family members.

Neuberg Centre For Genomic Medicine, NCGM
Classification: Pathogenic for Tuberous sclerosis 2. Review status: criteria provided, single submitter. Criteria: ACMG Guidelines, 2015. Collection method: clinical testing. Allele origin: germline. Inheritance: Autosomal dominant inheritance. Affected: yes.
Comment: The missense variant c.3598C>T (p.Arg1200Trp) in TSC2 gene has been reported in the literature to segregate with tuberous sclerosis complex and a wide range of phenotypes including some milder cases in many families(Wentink M et.al.,2012). Experimental studies have shown that this missense change results in an unstable protein and disrupts the normal function of TSC2 as a regulator of cellular growth and proliferation(Hoogeveen-Westerveld M et.al.,2011). This variant has been reported to the ClinVar database as Pathogenic. The p.Arg1200Trp variant is novel (not in any individuals) in gnomAD Exomes and 1000 Genomes and allele frequency of 0.003187% is reported in gnomAD. The amino acid Arg at position 1200 is changed to a Trp changing protein sequence and it might alter its composition and physico-chemical properties.The amino acid change p.Arg1200Trp in TSC2 is predicted as conserved by GERP++ and PhyloP across 100 vertebrates. For these reasons, this variant has been classified as Pathogenic.

GeneReviews
No classification provided. Condition: Tuberous sclerosis 2. Review status: no classification provided. Collection method: literature only. Allele origin: germline. Not counted in ClinVar's aggregate classification.

Tuberous sclerosis database (TSC2)
No classification provided. Condition: TSC. Review status: no classification provided. Criteria: Tuberous Sclerosis Database Assertion Criteria 2015. Collection method: curation. Allele origin: germline. Affected: yes. Not counted in ClinVar's aggregate classification.

Literature cited by the submitters: PubMed 21332470 (cited by 13 submitters); PubMed 8824881 (cited by 10 submitters); PubMed 29308833 (cited by 3billion and Ambry Genetics); PubMed 9463313 (cited by 6 submitters); PubMed 18792920 (cited by 7 submitters); PubMed 22867869 (cited by 6 submitters); PubMed 25039834 (cited by 6 submitters); PubMed 28149746 (cited by 4 submitters); PubMed 21309039 (cited by 6 submitters); PubMed 17304050 (cited by 3 submitters); PubMed 27406250 (cited by 3 submitters); PubMed 28178598 (cited by Ambry Genetics); PubMed 30986793 (cited by Ambry Genetics); PubMed 31005478 (cited by Ambry Genetics); PubMed 32211034 (cited by 4 submitters); PubMed 32917966 (cited by Myriad Genetics, Inc.); PubMed 32461669 (cited by Myriad Genetics, Inc.); PubMed 32005694 (cited by Mayo Clinic Laboratories, Mayo Clinic and Quest Diagnostics Nichols Institute San Juan Capistrano); PubMed 19254590 (cited by Women's Health and Genetics/Laboratory Corporation of America, LabCorp); PubMed 30255984 (cited by Victorian Clinical Genetics Services, Murdoch Childrens Research Institute); PubMed 31018109 (cited by Victorian Clinical Genetics Services, Murdoch Childrens Research Institute); PubMed 20301399 (cited by Quest Diagnostics Nichols Institute San Juan Capistrano); PubMed 22903760 (cited by Quest Diagnostics Nichols Institute San Juan Capistrano).